The following is an entry in ClinVar:

ClinVar aggregate classification (germline): Conflicting classifications of pathogenicity. Review status: criteria provided, conflicting classifications (1 of 4 stars). 4 submissions from 4 submitters: Uncertain significance (2); Likely benign (1). 1 of the submissions does not count toward it. Last evaluated 2026-01-14.

Conditions:
ZNF469-related disorder. Also called: ZNF469-related condition.
Cardiovascular phenotype. Identifiers: MedGen CN230736.

Allele frequency attached by ClinVar (database versions not stated): gnomAD exomes 0.00002 and 0.00004; ExAC 0.00019; 1000 Genomes Project 0.00020; gnomAD 0.00022; TOPMed 0.00023; 1000 Genomes Project 30x 0.00031.
gnomAD v4.1: 57 of 1,549,692 alleles (0.0037%); highest among the groups gnomAD compares: African/African-American, 0.07%; no homozygotes.

Submissions (4):

Women's Health and Genetics/Laboratory Corporation of America, LabCorp
Classification: Uncertain significance. Last evaluated: 2026-01-14. Review status: criteria provided, single submitter. Criteria: LabCorp Variant Classification Summary - May 2015. Collection method: clinical testing. Allele origin: germline.
Comment: Variant summary: ZNF469 c.6965T>C (p.Met2322Thr) results in a non-conservative amino acid change in the encoded protein sequence. Algorithms developed to predict the effect of missense changes on protein structure and function are either unavailable or do not agree on the potential impact of this missense change. The variant allele was found at a frequency of 4e-05 in 149734 control chromosomes. The available data on variant occurrences in the general population are insufficient to allow any conclusion about variant significance. To our knowledge, no occurrence of c.6965T>C in individuals affected with ZNF469-related conditions and no experimental evidence demonstrating its impact on protein function have been reported. ClinVar contains an entry for this variant (Variation ID: 451643). Based on the evidence outlined above, the variant was classified as uncertain significance.

Ambry Genetics
Classification: Likely benign for Cardiovascular phenotype. Last evaluated: 2023-08-04. Review status: criteria provided, single submitter. Criteria: Ambry Variant Classification Scheme 2023. Collection method: clinical testing. Allele origin: germline.

GeneDx
Classification: Uncertain significance. Last evaluated: 2021-03-22. Review status: criteria provided, single submitter. Criteria: GeneDx Variant Classification Process June 2021. Collection method: clinical testing. Allele origin: germline. Affected: yes.
Comment: In silico analysis supports that this missense variant does not alter protein structure/function; Has not been previously published as pathogenic or benign to our knowledge

PreventionGenetics, part of Exact Sciences
Classification: Uncertain significance for ZNF469-related condition. Last evaluated: 2024-02-02. Review status: no assertion criteria provided. Collection method: clinical testing. Allele origin: germline. Not counted in ClinVar's aggregate classification.
Comment: The ZNF469 c.6881T>C variant is predicted to result in the amino acid substitution p.Met2294Thr. To our knowledge, this variant has not been reported in the literature. This variant is reported in 0.063% of alleles in individuals of African descent in gnomAD. Although we suspect that this variant may be benign, at this time, the clinical significance of this variant is uncertain due to the absence of conclusive functional and genetic evidence.

NM_001367624.2(ZNF469):c.6965T>C (p.Met2322Thr)

Gene: ZNF469 (zinc finger protein 469; plus strand). Cytogenetic location: 16q24.2.
Variant type: single nucleotide variant.
Coding change: c.6965T>C on transcript NM_001367624.2 (MANE Select); coding-DNA position 6965, T replaced by C.
Protein change: p.Met2322Thr; replaces methionine 2322 with threonine.
Molecular consequence: missense variant.
Genome position (GRCh38, 1-based): chr16:88,434,435, T>C. VCF-style: chr16-88434435-T-C. GRCh37 (hg19) VCF-style: chr16-88500843-T-C.
Other names: NM_001127464.1:c.6881T>C; NM_001127464.2:c.6881T>C; short protein forms M2322T.
Identifiers: ClinVar variation 451643 (VCV000451643.10), dbSNP rs531612776, ClinGen allele CA8225198.
Genomic context (GRCh38, chr16:88,434,435, plus strand): 5'-GACTCCCAGGGCCAGACCCCCAGAGCAGGGGAGCCCCGCCCCACACCAACCCTGACAGGA[T>C]GCCCAGGGGCCACTCCTCGTATTCTCCAAGCAATACTGCCCGCCTCGGCCACAGGGAGGG-3'
Protein context (NP_001354553.1, residues 2312-2332): GAPPHTNPDR[Met2322Thr]PRGHSSYSPS